The following is an entry in ClinVar:

ClinVar aggregate classification (germline): Uncertain significance. Review status: criteria provided, multiple submitters, no conflicts (2 of 4 stars). 2 submissions from 2 submitters: Uncertain significance (2). Last evaluated 2025-11-17.

Conditions:
Amyotrophic lateral sclerosis type 1 (ALS1). Also called: AMYOTROPHIC LATERAL SCLEROSIS 1, FAMILIAL. Identifiers: Orphanet 803, MedGen C1862939, MONDO:0007103, OMIM 105400.
Perry syndrome. Also called: PARKINSONISM WITH ALVEOLAR HYPOVENTILATION AND MENTAL DEPRESSION. Identifiers: Orphanet 178509, MedGen C1868594, MONDO:0008201, OMIM 168605.
Neuronopathy, distal hereditary motor, type 7B. Also called: Distal Hereditary Motor Neuronopathy Type 7B (dHMN7B); HMN VIIB; LOWER MOTOR NEURON DISEASE, DYNACTIN TYPE; NEURONOPATHY, DISTAL HEREDITARY MOTOR, AUTOSOMAL DOMINANT 14; NEURONOPATHY, DISTAL HEREDITARY MOTOR, HARDING TYPE VIIB; NEUROPATHY, DISTAL HEREDITARY MOTOR, HARDING TYPE VIIB. Identifiers: Orphanet 139589, MedGen C1843315, MONDO:0011879, OMIM 607641.

Allele frequency attached by ClinVar (database versions not stated): gnomAD exomes 0.00001.
gnomAD v4.1: 9 of 1,613,420 alleles (0.00056%); highest among the groups gnomAD compares: Non-Finnish European, 0.00076%; no homozygotes.

Submissions (2):

Labcorp Genetics (formerly Invitae), Labcorp
Classification: Uncertain significance for Amyotrophic lateral sclerosis type 1; Neuronopathy, distal hereditary motor, type 7B; Perry syndrome. Last evaluated: 2025-11-17. Review status: criteria provided, single submitter. Criteria: Invitae Variant Classification Sherloc (09022015). Collection method: clinical testing. Allele origin: germline.
Comment: This sequence change replaces valine, which is neutral and non-polar, with methionine, which is neutral and non-polar, at codon 838 of the DCTN1 protein (p.Val838Met). This variant is not present in population databases (gnomAD no frequency). This variant has not been reported in the literature in individuals affected with DCTN1-related conditions. ClinVar contains an entry for this variant (Variation ID: 2111014). Invitae Evidence Modeling of protein sequence and biophysical properties (such as structural, functional, and spatial information, amino acid conservation, physicochemical variation, residue mobility, and thermodynamic stability) indicates that this missense variant is not expected to disrupt DCTN1 protein function with a negative predictive value of 95%. In summary, the available evidence is currently insufficient to determine the role of this variant in disease. Therefore, it has been classified as a Variant of Uncertain Significance.

GeneDx
Classification: Uncertain significance. Last evaluated: 2024-06-21. Review status: criteria provided, single submitter. Criteria: GeneDx Variant Classification Process June 2021. Collection method: clinical testing. Allele origin: germline. Affected: yes.
Comment: Not observed at significant frequency in large population cohorts (gnomAD); In silico analysis indicates that this missense variant does not alter protein structure/function; Has not been previously published as pathogenic or benign to our knowledge

NM_004082.5(DCTN1):c.2512G>A (p.Val838Met)

Gene: DCTN1 (dynactin subunit 1; minus strand). Cytogenetic location: 2p13.1.
Variant type: single nucleotide variant.
Coding change: c.2512G>A on transcript NM_004082.5 (MANE Select); coding-DNA position 2512, G replaced by A.
Protein change: p.Val838Met; replaces valine 838 with methionine.
Molecular consequence: missense variant. On other transcripts: non-coding transcript variant (1).
Genome position (GRCh38, 1-based): chr2:74,366,575, C>T on the plus strand (G>A on the coding strand, the complement: DCTN1 is on the minus strand). VCF-style: chr2-74366575-C-T. GRCh37 (hg19) VCF-style: chr2-74593702-C-T.
Other names: c.2452G>A, p.Val818Met (NM_001135040.3); c.2110G>A, p.Val704Met (NM_001135041.3, NM_023019.4); c.2401G>A, p.Val801Met (NM_001190836.2); c.2491G>A, p.Val831Met (NM_001190837.2); c.2461G>A, p.Val821Met (NM_001378991.1); c.2443G>A, p.Val815Met (NM_001378992.1); short protein forms V704M, V815M, V838M, V818M, V821M, V831M, V801M.
Identifiers: ClinVar variation 2111014 (VCV002111014.5), dbSNP rs2529114821, ClinGen allele CA347346630.